The following is an entry in ClinVar:

ClinVar aggregate classification (germline): Uncertain significance (1 of 4 stars; one submission).

Submission:

CeGaT Center for Human Genetics Tuebingen
Classification: Uncertain significance. Last evaluated: 2024-02-01. Review status: criteria provided, single submitter. Criteria: CeGaT Center For Human Genetics Tuebingen Variant Classification Criteria Version 2. Collection method: clinical testing. Allele origin: germline. Affected: yes. Observed: 1 variant allele.
Comment: HSPA1L: PM2

NM_005527.4(HSPA1L):c.161G>C (p.Gly54Ala)

Gene: HSPA1L (heat shock protein family A (Hsp70) member 1 like; minus strand). Cytogenetic location: 6p21.33.
Variant type: single nucleotide variant.
Coding change: c.161G>C on transcript NM_005527.4 (MANE Select); coding-DNA position 161, G replaced by C.
Protein change: p.Gly54Ala; replaces glycine 54 with alanine.
Molecular consequence: missense variant.
Genome position (GRCh38, 1-based): chr6:31,811,812, C>G on the plus strand (G>C on the coding strand, the complement: HSPA1L is on the minus strand). VCF-style: chr6-31811812-C-G. GRCh37 (hg19) VCF-style: chr6-31779589-C-G.
Other names: short protein forms G54A.
Identifiers: ClinVar variation 3027221 (VCV003027221.22), dbSNP rs1459435022, ClinGen allele CA363394268.